The following is an entry in ClinVar:

ClinVar aggregate classification (germline): Conflicting classifications of pathogenicity. Review status: criteria provided, conflicting classifications (1 of 4 stars). 3 submissions from 3 submitters: Pathogenic (1); Likely pathogenic (1); Uncertain significance (1). Last evaluated 2026-08-14.

Conditions:
Glutaric aciduria, type 1. Also called: Glutaricaciduria, type I; Glutaricacidemia Type 1; GA I; Glutaryl-CoA dehydrogenase deficiency; Glutaric acidemia type I; Glutaric Acidemia Type 1. Identifiers: Orphanet 25, MedGen C0268595, MONDO:0009281, OMIM 231670.

Allele frequency attached by ClinVar (database versions not stated): gnomAD 0.00001; TOPMed 0.00001.
gnomAD v4.1: 5 of 1,613,988 alleles (0.00031%); highest among the groups gnomAD compares: Non-Finnish European, 0.00042%; no homozygotes.

Submissions (3):

Myriad Genetics, Inc.
Classification: Uncertain significance for Glutaric aciduria, type 1. Last evaluated: 2026-08-14. Review status: criteria provided, single submitter. Criteria: Myriad Autosomal Dominant, Autosomal Recessive and X-Linked Classification Criteria (2023). Collection method: clinical testing. Allele origin: unknown.
Comment: NM_000159.2(GCDH):c.796A>G(M266V) is a missense variant classified as a variant of uncertain significance in the context of glutaric acidemia, GCDH-related. M266V has been observed in cases with relevant disease (PMID: Venturoni_2017_(Thesis), 9711871). Relevant functional assessments of this variant are not available in the literature. M266V has not been observed in referenced population frequency databases. In summary, there is insufficient evidence to classify NM_000159.2(GCDH):c.796A>G(M266V) as pathogenic or benign. Please note: this variant was assessed in the context of healthy population screening.

Fulgent Genetics
Classification: Likely pathogenic for Glutaric aciduria, type 1. Last evaluated: 2024-02-08. Review status: criteria provided, single submitter. Criteria: ACMG Guidelines, 2015. Collection method: clinical testing. Allele origin: germline.

Labcorp Genetics (formerly Invitae), Labcorp
Classification: Pathogenic for Glutaric aciduria, type 1. Last evaluated: 2023-07-15. Review status: criteria provided, single submitter. Criteria: Invitae Variant Classification Sherloc (09022015). Collection method: clinical testing. Allele origin: germline.
Comment: This sequence change replaces methionine, which is neutral and non-polar, with valine, which is neutral and non-polar, at codon 266 of the GCDH protein (p.Met266Val). This variant is not present in population databases (gnomAD no frequency). For these reasons, this variant has been classified as Pathogenic. This variant disrupts the p.Met266 amino acid residue in GCDH. Other variant(s) that disrupt this residue have been determined to be pathogenic (PMID: 23225040; Invitae). This suggests that this residue is clinically significant, and that variants that disrupt this residue are likely to be disease-causing. Advanced modeling of protein sequence and biophysical properties (such as structural, functional, and spatial information, amino acid conservation, physicochemical variation, residue mobility, and thermodynamic stability) performed at Invitae indicates that this missense variant is expected to disrupt GCDH protein function. ClinVar contains an entry for this variant (Variation ID: 944097). This missense change has been observed in individual(s) with glutaric acidemia type I (PMID: 9711871; Invitae). In at least one individual the data is consistent with being in trans (on the opposite chromosome) from a pathogenic variant.

Literature cited by the submitters: PubMed 23225040 (cited by Labcorp Genetics (formerly Invitae), Labcorp); PubMed 9711871 (cited by Labcorp Genetics (formerly Invitae), Labcorp).

NM_000159.4(GCDH):c.796A>G (p.Met266Val)

Gene: GCDH (glutaryl-CoA dehydrogenase; plus strand). Cytogenetic location: 19p13.13.
Variant type: single nucleotide variant.
Coding change: c.796A>G on transcript NM_000159.4 (MANE Select); coding-DNA position 796, A replaced by G.
Protein change: p.Met266Val; replaces methionine 266 with valine.
Molecular consequence: missense variant. On other transcripts: non-coding transcript variant (2).
Genome position (GRCh38, 1-based): chr19:12,896,365, A>G. VCF-style: chr19-12896365-A-G. GRCh37 (hg19) VCF-style: chr19-13007179-A-G.
Other names: c.796A>G, p.Met266Val (NM_013976.5); short protein forms M266V.
Identifiers: ClinVar variation 944097 (VCV000944097.10), dbSNP rs745357523, ClinGen allele CA404318996.